The following is an entry in ClinVar:

NM_017612.5(ZCCHC8):c.1396C>T (p.Pro466Ser)

Gene: ZCCHC8 (zinc finger CCHC-type containing 8; minus strand). Cytogenetic location: 12q24.31.
Variant type: single nucleotide variant.
Coding change: c.1396C>T on transcript NM_017612.5 (MANE Select); coding-DNA position 1396, C replaced by T.
Protein change: p.Pro466Ser; replaces proline 466 with serine.
Molecular consequence: missense variant.
Genome position (GRCh38, 1-based): chr12:122,474,225, G>A on the plus strand (C>T on the coding strand, the complement: ZCCHC8 is on the minus strand). VCF-style: chr12-122474225-G-A. GRCh37 (hg19) VCF-style: chr12-122958772-G-A.
Other names: c.1165C>T, p.Pro389Ser (NM_001350935.2); c.1099C>T, p.Pro367Ser (NM_001350936.2); c.682C>T, p.Pro228Ser (NM_001350937.2, NM_001350938.2); short protein forms P228S, P367S, P466S, P389S.
Identifiers: ClinVar variation 1481827 (VCV001481827.6), dbSNP rs948509701, ClinGen allele CA244748793.

ClinVar aggregate classification (germline): Uncertain significance (1 of 4 stars; one submission).

Allele frequency attached by ClinVar (database versions not stated): gnomAD exomes below 0.00001; TOPMed below 0.00001.
gnomAD v4.1: 2 of 1,485,142 alleles (0.00013%); highest among the groups gnomAD compares: African/African-American, 0.0014%; no homozygotes.

Submission:

Labcorp Genetics (formerly Invitae), Labcorp
Classification: Uncertain significance. Last evaluated: 2024-05-23. Review status: criteria provided, single submitter. Criteria: Invitae Variant Classification Sherloc (09022015). Collection method: clinical testing. Allele origin: germline.
Comment: This sequence change replaces proline, which is neutral and non-polar, with serine, which is neutral and polar, at codon 466 of the ZCCHC8 protein (p.Pro466Ser). This variant is not present in population databases (gnomAD no frequency). This variant has not been reported in the literature in individuals affected with ZCCHC8-related conditions. ClinVar contains an entry for this variant (Variation ID: 1481827). Advanced modeling of protein sequence and biophysical properties (such as structural, functional, and spatial information, amino acid conservation, physicochemical variation, residue mobility, and thermodynamic stability) has been performed at Invitae for this missense variant, however the output from this modeling did not meet the statistical confidence thresholds required to predict the impact of this variant on ZCCHC8 protein function. In summary, the available evidence is currently insufficient to determine the role of this variant in disease. Therefore, it has been classified as a Variant of Uncertain Significance.